The following is an entry in ClinVar:

NM_001177949.2(SYCP3):c.508C>T (p.Gln170Ter)

Gene: SYCP3 (synaptonemal complex protein 3; minus strand). Cytogenetic location: 12q23.2.
Variant type: single nucleotide variant.
Coding change: c.508C>T on transcript NM_001177949.2 (MANE Select); coding-DNA position 508, C replaced by T.
Protein change: p.Gln170Ter; replaces glutamine 170 with a stop codon.
Molecular consequence: nonsense.
Genome position (GRCh38, 1-based): chr12:101,731,612, G>A on the plus strand (C>T on the coding strand, the complement: SYCP3 is on the minus strand). VCF-style: chr12-101731612-G-A. GRCh37 (hg19) VCF-style: chr12-102125390-G-A.
Other names: c.508C>T, p.Gln170Ter (NM_001177948.2, NM_153694.5); short protein forms Q170*.
Identifiers: ClinVar variation 5005015 (VCV005005015.2).

ClinVar aggregate classification (germline): Uncertain significance (1 of 4 stars; one submission).

Conditions:
Spermatogenic failure 4. Also called: AZOOSPERMIA WITH MATURATION ARREST; PREGNANCY LOSS 4. Identifiers: MedGen C0232981, MONDO:0010052, OMIM 270960.

Submission:

Juno Genomics, Hangzhou Juno Genomics, Inc
Classification: Uncertain significance for Spermatogenic failure 4. Review status: criteria provided, single submitter. Criteria: ACMG Guidelines, 2015. Collection method: clinical testing. Allele origin: germline.
Comment: Absent from controls (or at extremely low frequency if recessive) in Genome Aggregation Database.